The following is an entry in ClinVar:

ClinVar aggregate classification (germline): Uncertain significance (1 of 4 stars; one submission).

Submission:

ISCA site 14
Classification: Uncertain significance. Last evaluated: 2011-08-12. Review status: criteria provided, single submitter. Criteria: Kaminsky et al. (Genet Med. 2011). Collection method: clinical testing. Allele origin: paternal. Affected: yes. Observed: 1 variant allele.
Comment: Copy number variation identified through the course of routine clinical cytogenomic testing in postnatal populations. Clinical assertions have been curated as described in Kaminsky et al. 2011.

GRCh38/hg38 5p15.2-15.1(chr5:14859578-15364361)x3

Genes: ANKH (ANKH inorganic pyrophosphate transport regulator; minus strand), LINC02149 (long intergenic non-protein coding RNA 2149; minus strand), LOC126807325 (MED14-independent group 3 enhancer GRCh37_chr5:14925588-14926787; plus strand), LOC129993724 (ATAC-STARR-seq lymphoblastoid active region 22417; plus strand), LOC129993725 (ATAC-STARR-seq lymphoblastoid silent region 15944; plus strand) and 5 more. Cytogenetic location: 5p15.2-15.1.
Variant type: copy number gain.
Change: copy number 3 (three copies instead of two) of chr5:14,859,578-15,364,361 (504.8 kb, GRCh38 coordinates, 1-based), cytogenetic band 5p15.2-15.1.
Identifiers: ClinVar variation 57958 (VCV000057958.1).